The following is an entry in ClinVar:

NM_013275.6(ANKRD11):c.6501_6510dup (p.Pro2171fs)

Gene: ANKRD11 (ankyrin repeat domain 11; minus strand). Cytogenetic location: 16q24.3.
Variant type: Duplication.
Coding change: c.6501_6510dup on transcript NM_013275.6 (MANE Select); coding-DNA positions 6501 to 6510, 10 bases duplicated (TCCAGGGGCC; older notation c.6501_6510dupTCCAGGGGCC).
Protein change: p.Pro2171fs; shifts the reading frame from proline 2171.
Molecular consequence: frameshift variant.
Genome position (GRCh38, 1-based): chr16:89,280,032-89,280,041, GGCCCCTGGA duplicated on the plus strand (TCCAGGGGCC on the coding strand, the reverse complement: ANKRD11 is on the minus strand); duplicating any 10 consecutive bases within chr16:89,280,032-89,280,044 gives the same sequence; the c. name uses the placement nearest the transcript's 3' end. VCF-style (leftmost placement, unchanged base first): chr16-89280031-G-GGGCCCCTGGA. GRCh37 (hg19) VCF-style: chr16-89346439-G-GGGCCCCTGGA.
Other names: c.6501_6510dup, p.Pro2171fs (NM_001256182.2, NM_001256183.2); short protein forms P2171fs.
Identifiers: ClinVar variation 4879641 (VCV004879641.1).

ClinVar aggregate classification (germline): Pathogenic (1 of 4 stars; one submission).

Conditions:
KBG syndrome (KBGS). Also called: ANKRD11-Related KBG Syndrome. Identifiers: Orphanet 2332, MedGen C0220687, MONDO:0007846, OMIM 148050.

Submission:

Victorian Clinical Genetics Services, Murdoch Childrens Research Institute
Classification: Pathogenic for KBG syndrome. Last evaluated: 2026-04-20. Review status: criteria provided, single submitter. Criteria: ACMG Guidelines, 2015. Collection method: clinical testing. Allele origin: germline. Affected: yes.
Comment: This variant is classified as Pathogenic. Evidence in support of pathogenic classification: Variant is predicted to cause nonsense-mediated decay (NMD) and loss of protein (premature termination codon is located at least 54 nucleotides upstream of the final exon-exon junction); Variant is absent from gnomAD (v2, v3 and v4); Other NMD-predicted variants comparable to the one identified in this case have very strong previous evidence for pathogenicity (DECIPHER); Additional information: This variant is heterozygous; This gene is associated with autosomal dominant disease; Loss of function is a known mechanism of disease in this gene and is associated with KBG syndrome (MIM#148050); Variants in this gene are known to have variable expressivity. Intrafamilial variability is commonly reported (PMID: 29258554).

Literature cited by the submitters: PubMed 29258554.